The following is an entry in ClinVar:

ClinVar aggregate classification (germline): Uncertain significance (0 of 4 stars; one submission).

Conditions:
Alzheimer disease type 1 (AD1). Also called: ALZHEIMER DISEASE, FAMILIAL, 1; ALZHEIMER DISEASE, FAMILIAL, 1, AUTOSOMAL RECESSIVE. Identifiers: MedGen C1863052, MONDO:0007088, OMIM 104300.

gnomAD v4.1: 6 of 1,614,054 alleles (0.00037%); highest among the groups gnomAD compares: Non-Finnish European, 0.00051%; no homozygotes.

Submission:

Medical Genetics Unit, Mauro Baschirotto Institute for Rare Disease
Classification: Uncertain significance for Alzheimer disease type 1. Last evaluated: 2026-04-20. Review status: no assertion criteria provided. Collection method: clinical testing. Allele origin: germline. Affected: yes. Observed: 1 variant allele.
Comment: This variant was interpreted by the AD-FTD Italian Consortium, including the following participating institutions: Mauro Baschirotto Institute for Rare Disease, Medical Genetics Unit (Dr Paola de Gemmis, Dr Daniela Segat, Dr Chiara Stefani); Neurology Unit, Department of Biomedicine, Neurosciences and Advanced Diagnostics, University of Palermo, Italy (Dr Tommaso Piccoli); Neurology Unit, Santa Maria della Misericordia Hospital, Perugia, Italy (Dr Lorenzo Gaetani). The participating laboratories jointly contributed to patient recruitment, clinical data collection, and variant interpretation and classification. The variant c.1028G>A results in the amino acid substitution of serine to asparagine at codon 343 of the APP protein. This is a conservative missense change between two neutral polar amino acids. APP encodes the amyloid beta A4 precursor protein, a type I transmembrane glycoprotein that undergoes complex proteolytic processing by several secretases, generating multiple peptide fragments, including amyloid-β peptides. These peptides can aggregate and are central components of amyloid plaques in Alzheimer disease. APP and its proteolytic fragments are involved in neuronal development, synaptic formation and plasticity, neurite outgrowth, cell adhesion, and intracellular signaling. APP is widely expressed in the central nervous system and peripheral tissues, with particularly high expression in neurons. Both gain- and loss-of-function mechanisms of APP and its cleavage products have been implicated in neurodegeneration and in the pathogenesis of autosomal dominant forms of early-onset Alzheimer disease, as well as in other neurological phenotypes. According to available annotation, c.1028G>A p.Ser343Asn in APP is a missense variant located in exon 7, with a reported gnomAD overall allele frequency of 0.000410% and no homozygous individuals observed in that dataset. Computational prediction tools include: SIFT prediction (uncertain, score 0.029), FATHMM prediction (uncertain, score 0.37) and REVEL (benign moderate, score 0.11). Taken together all of these data suggest an uncertain significance classification for this variant.

NM_000484.4(APP):c.1028G>A (p.Ser343Asn)

Gene: APP (amyloid beta precursor protein; minus strand). Cytogenetic location: 21q21.3.
Variant type: single nucleotide variant.
Coding change: c.1028G>A on transcript NM_000484.4 (MANE Select); coding-DNA position 1028, G replaced by A.
Protein change: p.Ser343Asn; replaces serine 343 with asparagine.
Molecular consequence: missense variant. On other transcripts: intron variant (5).
Genome position (GRCh38, 1-based): chr21:26,000,020, C>T on the plus strand (G>A on the coding strand, the complement: APP is on the minus strand). VCF-style: chr21-26000020-C-T. GRCh37 (hg19) VCF-style: chr21-27372335-C-T.
Other names: c.1013G>A, p.Ser338Asn (NM_001136016.3); c.860G>A, p.Ser287Asn (NM_001136130.3); c.1028G>A, p.Ser343Asn (NM_001204301.2, NM_001204302.2, NM_201413.3); c.761-17543G>A (NM_001136131.3); c.698-17543G>A (NM_001136129.3); c.866-17543G>A (NM_001204303.2, NM_201414.3); c.866-2604G>A (NM_001385253.1); short protein forms S287N, S338N, S343N.
Identifiers: ClinVar variation 4849945 (VCV004849945.1).